The following is an entry in ClinVar:

NM_006579.3(EBP):c.185G>A (p.Arg62Gln)

Gene: EBP (EBP cholestenol delta-isomerase; plus strand). Cytogenetic location: Xp11.23.
Variant type: single nucleotide variant.
Coding change: c.185G>A on transcript NM_006579.3 (MANE Select); coding-DNA position 185, G replaced by A.
Protein change: p.Arg62Gln; replaces arginine 62 with glutamine.
Molecular consequence: missense variant.
Genome position (GRCh38, 1-based): chrX:48,523,956, G>A. VCF-style: chrX-48523956-G-A. GRCh37 (hg19) VCF-style: chrX-48382344-G-A.
Other names: short protein forms R62Q.
Identifiers: ClinVar variation 3013142 (VCV003013142.4), dbSNP rs782615162, ClinGen allele CA10402984.

ClinVar aggregate classification (germline): Uncertain significance. Review status: criteria provided, multiple submitters, no conflicts (2 of 4 stars). 2 submissions from 2 submitters: Uncertain significance (2). Last evaluated 2024-01-13.

Conditions:
Chondrodysplasia punctata 2 X-linked dominant (CDPX2). Also called: EBP-Related X-Linked Chondrodysplasia Punctata; CONRADI-HUNERMANN-HAPPLE SYNDROME; HAPPLE SYNDROME; Hunermann-Conradi Syndrome. Identifiers: Orphanet 35173, MedGen C0282102, MONDO:0020603, OMIM 302960.
MEND syndrome (MEND). Also called: MALE EBP DISORDER WITH NEUROLOGIC DEFECTS. Identifiers: Orphanet 401973, MedGen C4085243, MONDO:0010498, OMIM 300960.

Allele frequency attached by ClinVar (database versions not stated): gnomAD 0.00001; gnomAD exomes 0.00001; ExAC 0.00002; TOPMed 0.00004.

Submissions (2):

Fulgent Genetics
Classification: Uncertain significance for MEND syndrome; Chondrodysplasia punctata 2 X-linked dominant. Last evaluated: 2024-01-13. Review status: criteria provided, single submitter. Criteria: ACMG Guidelines, 2015. Collection method: clinical testing. Allele origin: germline.

Labcorp Genetics (formerly Invitae), Labcorp
Classification: Uncertain significance. Last evaluated: 2023-04-26. Review status: criteria provided, single submitter. Criteria: Invitae Variant Classification Sherloc (09022015). Collection method: clinical testing. Allele origin: germline.
Comment: This sequence change replaces arginine, which is basic and polar, with glutamine, which is neutral and polar, at codon 62 of the EBP protein (p.Arg62Gln). Algorithms developed to predict the effect of sequence changes on RNA splicing suggest that this variant may create or strengthen a splice site. Advanced modeling of protein sequence and biophysical properties (such as structural, functional, and spatial information, amino acid conservation, physicochemical variation, residue mobility, and thermodynamic stability) has been performed at Invitae for this missense variant, however the output from this modeling did not meet the statistical confidence thresholds required to predict the impact of this variant on EBP protein function. This missense change has been observed in individual(s) with a neurodevelopmental disorder (PMID: 31785789, 33504798). This variant is present in population databases (rs782615162, gnomAD 0.006%). This variant disrupts the p.Arg62 amino acid residue in EBP. Other variant(s) that disrupt this residue have been determined to be pathogenic (PMID: 12509714, 30098249). This suggests that this residue is clinically significant, and that variants that disrupt this residue are likely to be disease-causing. In summary, the available evidence is currently insufficient to determine the role of this variant in disease. Therefore, it has been classified as a Variant of Uncertain Significance.

Literature cited by the submitters: PubMed 31785789 (cited by Labcorp Genetics (formerly Invitae), Labcorp); PubMed 33504798 (cited by Labcorp Genetics (formerly Invitae), Labcorp); PubMed 12509714 (cited by Labcorp Genetics (formerly Invitae), Labcorp); PubMed 30098249 (cited by Labcorp Genetics (formerly Invitae), Labcorp).